The following is an entry in ClinVar:

ClinVar aggregate classification (germline): Uncertain significance (1 of 4 stars; one submission).

Conditions:
RFX5-related disorder. Also called: RFX5-related condition.

Submission:

PreventionGenetics, part of Exact Sciences
Classification: Uncertain significance for RFX5-related condition. Last evaluated: 2023-07-12. Review status: criteria provided, single submitter. Criteria: ACMG Guidelines, 2015. Collection method: clinical testing. Allele origin: germline.
Comment: The RFX5 c.1569G>T variant is predicted to result in the amino acid substitution p.Glu523Asp. To our knowledge, this variant has not been reported in the literature. This variant is reported in 0.0029% of alleles in individuals of Latino descent in gnomAD. At this time, the clinical significance of this variant is uncertain due to the absence of conclusive functional and genetic evidence.

NM_001025603.2(RFX5):c.1569G>T (p.Glu523Asp)

Gene: RFX5 (regulatory factor X5; minus strand). Cytogenetic location: 1q21.3.
Variant type: single nucleotide variant.
Coding change: c.1569G>T on transcript NM_001025603.2 (MANE Select); coding-DNA position 1569, G replaced by T.
Protein change: p.Glu523Asp; replaces glutamic acid 523 with aspartic acid.
Molecular consequence: missense variant.
Genome position (GRCh38, 1-based): chr1:151,342,468, C>A on the plus strand (G>T on the coding strand, the complement: RFX5 is on the minus strand). VCF-style: chr1-151342468-C-A. GRCh37 (hg19) VCF-style: chr1-151314944-C-A.
Other names: c.1569G>T, p.Glu523Asp (NM_000449.4, NM_001379412.1, NM_001379413.1 and 5 more transcripts); c.1449G>T, p.Glu483Asp (NM_001379419.1, NM_001379420.1); short protein forms E483D, E523D.
Identifiers: ClinVar variation 2636809 (VCV002636809.1), dbSNP rs137968641, ClinGen allele CA341925138.
Genomic context (GRCh38, chr1:151,342,468, plus strand): 5'-TCCTCCTTTGGAAACAGTACCATCTCCCTGACCCTGGGCAAGTACTGCCCCCTTTTCAGC[C>A]TCTCCCATTGGCCCTGGCCTCTCTGCCCCTCCAGCTGAGTTGCCTTCCCCTCCTGAGCCC-3'
Protein context (NP_001020774.1, residues 513-533): GGAERPGPMG[Glu523Asp]AEKGAVLAQG